The following is an entry in ClinVar:

GRCh38/hg38 Xp22.2(chrX:10380284-10546411)x2

Genes: MID1 (midline 1; minus strand), LOC126863207 (BRD4-independent group 4 enhancer GRCh37_chrX:10416979-10418178; plus strand). Cytogenetic location: Xp22.2.
Variant type: copy number gain.
Change: copy number 2 of chrX:10,380,284-10,546,411 (166.1 kb, GRCh38 coordinates, 1-based), cytogenetic band Xp22.2.
Identifiers: ClinVar variation 4880502 (VCV004880502.1).

ClinVar aggregate classification (germline): Uncertain significance (1 of 4 stars; one submission).

Submission:

Department of Medical Genetics, Ordu University Medical School Training and Research Hospital
Classification: Uncertain significance. Last evaluated: 2026-07-30. Review status: criteria provided, single submitter. Criteria: ACMG/ClinGen CNV Guidelines, 2019. Collection method: clinical testing. Allele origin: de novo. Affected: yes. Observed: 1 variant allele.
Comment: Approximately 166 kb Xp22.2 gain; the distal breakpoint falls within MID1. ClinGen dosage curation for MID1 gives a haploinsufficiency score of 3 and a triplosensitivity score of 0, so the copy-number gain does not correspond to an established dosage-sensitive mechanism, and the effect of a breakpoint interrupting MID1 in a duplication cannot be predicted without further characterisation. Coordinates converted from the original GRCh37 array call (chrX:10,348,324-10,514,451) to GRCh38 by assembly mapping. Scored using the ACMG/ClinGen technical standard for copy-number variant interpretation; classified as uncertain significance.